The following is an entry in ClinVar:

ClinVar aggregate classification (germline): Uncertain significance. Review status: criteria provided, multiple submitters, no conflicts (2 of 4 stars). 2 submissions from 2 submitters: Uncertain significance (2). Last evaluated 2026-01-06.

Conditions:
Inborn genetic diseases. Identifiers: MedGen C0950123, MeSH D030342.
Fanconi anemia (FA). Also called: Fanconi's anemia. Identifiers: Orphanet 84, MedGen C0015625, MeSH D005199, MONDO:0019391.

Allele frequency attached by ClinVar (database versions not stated): gnomAD exomes below 0.00001 and 0.00001.
gnomAD v4.1: 1 of 1,613,678 alleles (0.000062%); highest among the groups gnomAD compares: East Asian, 0.0022%; no homozygotes.

Submissions (2):

Labcorp Genetics (formerly Invitae), Labcorp
Classification: Uncertain significance for Fanconi anemia. Last evaluated: 2026-01-06. Review status: criteria provided, single submitter. Criteria: Invitae Variant Classification Sherloc (09022015). Collection method: clinical testing. Allele origin: germline.
Comment: This sequence change replaces valine, which is neutral and non-polar, with aspartic acid, which is acidic and polar, at codon 212 of the FANCM protein (p.Val212Asp). This variant is present in population databases (no rsID available, gnomAD 0.01%). This variant has not been reported in the literature in individuals affected with FANCM-related conditions. ClinVar contains an entry for this variant (Variation ID: 857297). An algorithm developed to predict the effect of missense changes on protein structure and function (PolyPhen-2) suggests that this variant is likely to be disruptive. In summary, the available evidence is currently insufficient to determine the role of this variant in disease. Therefore, it has been classified as a Variant of Uncertain Significance.

Ambry Genetics
Classification: Uncertain significance for Inborn genetic diseases. Last evaluated: 2025-05-27. Review status: criteria provided, single submitter. Criteria: Ambry Variant Classification Scheme 2023. Collection method: clinical testing. Allele origin: germline.
Comment: The p.V212D variant (also known as c.635T>A), located in coding exon 2 of the FANCM gene, results from a T to A substitution at nucleotide position 635. The valine at codon 212 is replaced by aspartic acid, an amino acid with highly dissimilar properties. This amino acid position is conserved. In addition, this alteration is predicted to be deleterious by in silico analysis. Based on the available evidence, the clinical significance of this variant remains unclear.

NM_020937.4(FANCM):c.635T>A (p.Val212Asp)

Gene: FANCM (FA complementation group M; plus strand). Cytogenetic location: 14q21.2.
Variant type: single nucleotide variant.
Coding change: c.635T>A on transcript NM_020937.4 (MANE Select); coding-DNA position 635, T replaced by A.
Protein change: p.Val212Asp; replaces valine 212 with aspartic acid.
Molecular consequence: missense variant.
Genome position (GRCh38, 1-based): chr14:45,137,195, T>A. VCF-style: chr14-45137195-T-A. GRCh37 (hg19) VCF-style: chr14-45606398-T-A.
Other names: c.635T>A, p.Val212Asp (NM_001308133.2, NM_001308134.2); short protein forms V212D.
Identifiers: ClinVar variation 857297 (VCV000857297.10), dbSNP rs1277508701, ClinGen allele CA389588878.
Genomic context (GRCh38, chr14:45,137,195, plus strand): 5'-AGGTCATGGTAAATGACCTTTCTAGAGGAGCTTGTCCCGCTGCTGAAATAAAGTGTTTAG[T>A]TATTGATGAAGCTCATAAAGCTCTCGGAAACTATGCTTATTGCCAGGTAATAATTTTGTT-3'
Protein context (NP_065988.1, residues 202-222): ACPAAEIKCL[Val212Asp]IDEAHKALGN